The following is an entry in ClinVar:

ClinVar aggregate classification (germline): Likely benign. Review status: criteria provided, multiple submitters, no conflicts (2 of 4 stars). 3 submissions from 3 submitters: Likely benign (3). Last evaluated 2026-08-01.

Conditions:
Severe combined immunodeficiency due to DNA-PKcs deficiency. Also called: IMMUNODEFICIENCY 26 WITH NEUROLOGIC ABNORMALITIES; Immunodeficiency 26 with or without neurologic abnormalities. Identifiers: Orphanet 317425, MedGen C4014833, MONDO:0014423, OMIM 615966.

Allele frequency attached by ClinVar (database versions not stated): TOPMed 0.00029; 1000 Genomes Project 30x 0.00031; ExAC 0.00031; ESP Exome Variant Server 0.00032; gnomAD 0.00032 and 0.00033; gnomAD exomes 0.00033; 1000 Genomes Project 0.00040.
gnomAD v4.1: 525 of 1,613,838 alleles (0.033%); highest among the groups gnomAD compares: Admixed American, 0.053%; no homozygotes.

Submissions (3):

CeGaT Center for Human Genetics Tuebingen
Classification: Likely benign. Last evaluated: 2026-08-01. Review status: criteria provided, single submitter. Criteria: CeGaT Center For Human Genetics Tuebingen Variant Classification Criteria Version 2. Collection method: clinical testing. Allele origin: germline. Affected: yes. Observed: 4 variant alleles.
Comment: PRKDC: BP4, BP7

Labcorp Genetics (formerly Invitae), Labcorp
Classification: Likely benign for Severe combined immunodeficiency due to DNA-PKcs deficiency. Last evaluated: 2026-01-20. Review status: criteria provided, single submitter. Criteria: Invitae Variant Classification Sherloc (09022015). Collection method: clinical testing. Allele origin: germline.

Blueprint Genetics
Classification: Likely benign. Last evaluated: 2024-11-18. Review status: criteria provided, single submitter. Criteria: ACMG Guidelines, 2015. Collection method: clinical testing. Allele origin: germline.

NM_006904.7(PRKDC):c.11118C>T (p.Asp3706=)

Gene: PRKDC (protein kinase, DNA-activated, catalytic subunit; minus strand). Cytogenetic location: 8q11.21.
Variant type: single nucleotide variant.
Coding change: c.11118C>T on transcript NM_006904.7 (MANE Select); coding-DNA position 11118, C replaced by T.
Protein change: p.Asp3706=; no amino-acid change (aspartic acid 3706 retained).
Molecular consequence: synonymous variant.
Genome position (GRCh38, 1-based): chr8:47,783,799, G>A on the plus strand (C>T on the coding strand, the complement: PRKDC is on the minus strand). VCF-style: chr8-47783799-G-A. GRCh37 (hg19) VCF-style: chr8-48696360-G-A.
Other names: c.11118C>T, p.Asp3706= (NM_001081640.2).
Identifiers: ClinVar variation 712333 (VCV000712333.38), dbSNP rs55660253, ClinGen allele CA4739172.